The following is an entry in ClinVar:

ClinVar aggregate classification (germline): Uncertain significance (1 of 4 stars; one submission).

Conditions:
Hereditary sensory and autonomic neuropathy with spastic paraplegia (HSNSP). Identifiers: Orphanet 139578, MedGen C1850395, MONDO:0009748, OMIM 256840.

Allele frequency attached by ClinVar (database versions not stated): ExAC 0.00001; gnomAD 0.00001; gnomAD exomes 0.00001; TOPMed 0.00002; ESP Exome Variant Server 0.00008.
gnomAD v4.1: 15 of 1,613,934 alleles (0.00093%); highest among the groups gnomAD compares: South Asian, 0.0033%; no homozygotes.

Submission:

Labcorp Genetics (formerly Invitae), Labcorp
Classification: Uncertain significance for Hereditary sensory and autonomic neuropathy with spastic paraplegia. Last evaluated: 2022-08-10. Review status: criteria provided, single submitter. Criteria: Invitae Variant Classification Sherloc (09022015). Collection method: clinical testing. Allele origin: germline.
Comment: Algorithms developed to predict the effect of missense changes on protein structure and function are either unavailable or do not agree on the potential impact of this missense change (SIFT: "Deleterious"; PolyPhen-2: "Not Available"; Align-GVGD: "Class C15"). In summary, the available evidence is currently insufficient to determine the role of this variant in disease. Therefore, it has been classified as a Variant of Uncertain Significance. ClinVar contains an entry for this variant (Variation ID: 1380103). This variant has not been reported in the literature in individuals affected with CCT5-related conditions. This variant is present in population databases (rs139449863, gnomAD 0.003%). This sequence change replaces glutamic acid, which is acidic and polar, with lysine, which is basic and polar, at codon 375 of the CCT5 protein (p.Glu375Lys).

NM_012073.5(CCT5):c.1123G>A (p.Glu375Lys)

Gene: CCT5 (chaperonin containing TCP1 subunit 5; plus strand). Cytogenetic location: 5p15.2.
Variant type: single nucleotide variant.
Coding change: c.1123G>A on transcript NM_012073.5 (MANE Select); coding-DNA position 1123, G replaced by A.
Protein change: p.Glu375Lys; replaces glutamic acid 375 with lysine.
Molecular consequence: missense variant.
Genome position (GRCh38, 1-based): chr5:10,261,689, G>A. VCF-style: chr5-10261689-G-A. GRCh37 (hg19) VCF-style: chr5-10261801-G-A.
Other names: c.1060G>A, p.Glu354Lys (NM_001306153.1); c.958G>A, p.Glu320Lys (NM_001306154.2); c.844G>A, p.Glu282Lys (NM_001306155.2); c.1009G>A, p.Glu337Lys (NM_001306156.2); short protein forms E320K, E337K, E375K, E282K, E354K.
Identifiers: ClinVar variation 1380103 (VCV001380103.6), dbSNP rs139449863, ClinGen allele CA3198257.